The following is an entry in ClinVar:

ClinVar aggregate classification (germline): Uncertain significance (1 of 4 stars; one submission).

Allele frequency attached by ClinVar (database versions not stated): gnomAD exomes below 0.00001; TOPMed 0.00001.
gnomAD v4.1: 2 of 1,613,894 alleles (0.00012%); highest among the groups gnomAD compares: Non-Finnish European, 0.00017%; no homozygotes.

Submission:

Labcorp Genetics (formerly Invitae), Labcorp
Classification: Uncertain significance. Last evaluated: 2023-12-27. Review status: criteria provided, single submitter. Criteria: Invitae Variant Classification Sherloc (09022015). Collection method: clinical testing. Allele origin: germline.
Comment: This sequence change replaces cysteine, which is neutral and slightly polar, with tyrosine, which is neutral and polar, at codon 216 of the GNAT1 protein (p.Cys216Tyr). This variant is not present in population databases (gnomAD no frequency). This variant has not been reported in the literature in individuals affected with GNAT1-related conditions. Advanced modeling of protein sequence and biophysical properties (such as structural, functional, and spatial information, amino acid conservation, physicochemical variation, residue mobility, and thermodynamic stability) performed at Invitae indicates that this missense variant is expected to disrupt GNAT1 protein function with a positive predictive value of 80%. In summary, the available evidence is currently insufficient to determine the role of this variant in disease. Therefore, it has been classified as a Variant of Uncertain Significance.

NM_144499.3(GNAT1):c.647G>A (p.Cys216Tyr)

Gene: GNAT1 (G protein subunit alpha transducin 1; plus strand). Cytogenetic location: 3p21.31.
Variant type: single nucleotide variant.
Coding change: c.647G>A on transcript NM_144499.3 (MANE Select); coding-DNA position 647, G replaced by A.
Protein change: p.Cys216Tyr; replaces cysteine 216 with tyrosine.
Molecular consequence: missense variant.
Genome position (GRCh38, 1-based): chr3:50,194,160, G>A. VCF-style: chr3-50194160-G-A. GRCh37 (hg19) VCF-style: chr3-50231593-G-A.
Other names: c.647G>A, p.Cys216Tyr (NM_000172.4); short protein forms C216Y.
Identifiers: ClinVar variation 2804675 (VCV002804675.3), dbSNP rs1699465851, ClinGen allele CA352917075.
Genomic context (GRCh38, chr3:50,194,160, plus strand): 5'-ATGTGGGCGGGCAGCGCTCGGAGCGCAAGAAGTGGATCCACTGCTTCGAGGGCGTGACCT[G>A]CATCATCTTCATCGCGGCGCTGAGCGCCTACGACATGGTGCTAGTGGAGGACGACGAAGT-3'
Protein context (NP_653082.1, residues 206-226): KWIHCFEGVT[Cys216Tyr]IIFIAALSAY